The following continues an entry in ClinVar:

NM_000492.4(CFTR):c.3041A>G (p.Tyr1014Cys)

ClinVar aggregate classification (germline): Uncertain significance. Uncertain significance (1).

Submissions 8 to 18 of 19:

Quest Diagnostics Nichols Institute San Juan Capistrano
Classification: Uncertain significance. Last evaluated: 2023-05-09. Review status: criteria provided, single submitter. Criteria: Quest Diagnostics criteria. Collection method: clinical testing. Allele origin: unknown. Not counted in ClinVar's aggregate classification.
Comment: The frequency of this variant in the general population, 0.0038 (39/10364 chromosomes), is uninformative in assessment of its pathogenicity. The variant has been identified alone or with another pathogenic CF variant in individuals with known or suspected cystic fibrosis or with CFTR-related disorders (PMIDs: 11466205 (2001), 15151509 (2004), 17331079 (2007), 23951356 (2013), 25383785 (2015), 27449771 (2016), 28546993 (2017), 30888834 (2019), and 31665830 (2020)). Functional studies indicated that this variant shows a moderate decrease in CFTR protein function (PMIDs: 29805046 (2018), 30888834 (2019), and 34996830 (2022)). Taking into account the available information, we are unable to determine the clinical significance of this variant.

Baylor Genetics
Classification: Uncertain significance for Bronchiectasis with or without elevated sweat chloride 1. Last evaluated: 2023-03-17. Review status: criteria provided, single submitter. Criteria: ACMG Guidelines, 2015. Collection method: clinical testing. Allele origin: unknown. Not counted in ClinVar's aggregate classification.

Labcorp Genetics (formerly Invitae), Labcorp
Classification: Uncertain significance for Cystic fibrosis. Last evaluated: 2022-11-03. Review status: criteria provided, single submitter. Criteria: Invitae Variant Classification Sherloc (09022015). Collection method: clinical testing. Allele origin: germline. Not counted in ClinVar's aggregate classification.
Comment: This sequence change replaces tyrosine, which is neutral and polar, with cysteine, which is neutral and slightly polar, at codon 1014 of the CFTR protein (p.Tyr1014Cys). This variant is present in population databases (rs149279509, gnomAD 0.4%). This missense change has been observed in individual(s) with known or suspected with cystic fibrosis and idiopathic chronic pancreatitis, recurrent acute pancreatitis, pancreatic cancer, gastric cancer, and congenital bilateral absence of the vas deferens (PMID: 11466205, 17331079, 17663888, 18687795, 23951356, 25383785, 26182300, 28546993). ClinVar contains an entry for this variant (Variation ID: 53638). Advanced modeling of protein sequence and biophysical properties (such as structural, functional, and spatial information, amino acid conservation, physicochemical variation, residue mobility, and thermodynamic stability) performed at Invitae indicates that this missense variant is expected to disrupt CFTR protein function. In summary, the available evidence is currently insufficient to determine the role of this variant in disease. Therefore, it has been classified as a Variant of Uncertain Significance.

Fulgent Genetics
Classification: Uncertain significance for Hereditary pancreatitis; Bronchiectasis with or without elevated sweat chloride 1; Cystic fibrosis; Congenital bilateral aplasia of vas deferens from CFTR mutation. Last evaluated: 2022-05-05. Review status: criteria provided, single submitter. Criteria: ACMG Guidelines, 2015. Collection method: clinical testing. Allele origin: unknown. Not counted in ClinVar's aggregate classification.

Johns Hopkins Genomics, Johns Hopkins University
Classification: Uncertain significance for Cystic fibrosis. Last evaluated: 2020-10-23. Review status: criteria provided, single submitter. Criteria: ACMG Guidelines, 2015. Collection method: clinical testing. Allele origin: germline. Not counted in ClinVar's aggregate classification.
Comment: CFTR variant of uncertain clinical significance. See CFTR2 for phenotype information.

Genome Diagnostics Laboratory, The Hospital for Sick Children
Classification: Uncertain significance for Cystic fibrosis. Last evaluated: 2020-10-22. Review status: criteria provided, single submitter. Criteria: ACMG Guidelines, 2015. Collection method: clinical testing. Allele origin: germline. Not counted in ClinVar's aggregate classification.

ARUP Laboratories, Molecular Genetics and Genomics, ARUP Laboratories
Classification: Uncertain significance. Last evaluated: 2019-09-20. Review status: criteria provided, single submitter. Criteria: ARUP Molecular Germline Variant Investigation Process. Collection method: clinical testing. Allele origin: germline. Not counted in ClinVar's aggregate classification.
Comment: The CFTR c.3041A>G; p.Tyr1014Cys variant (rs149279509) is reported in the literature in multiple individuals affected with cystic fibrosis (Alonso 2007, Behar 2017, Sanchez 2016) or CFTR-related disorders (Audrezet 2008, Casals 2000, Casals 2004, de Cid 2010, Larriba 2001, Masson 2013, Trujillano 2013), in some of whom a second pathogenic CFTR variant was identified. This variant is reported in ClinVar (Variation ID: 53638), and is found in the Ashkenazi Jewish population with an allele frequency of 0.38% (39/10364 alleles) in the Genome Aggregation Database. The tyrosine at codon 1014 is highly conserved, and computational analyses (SIFT, PolyPhen-2) predict that this variant is deleterious. Functional analyses of the variant protein show a moderate decrease in protein function (Raraigh 2018). However, based on available information, the clinical significance of the p.Tyr1014Cys variant is uncertain at this time. References: Alonso MJ et al. Spectrum of mutations in the CFTR gene in cystic fibrosis patients of Spanish ancestry. Ann Hum Genet. 2007 Mar;71(Pt 2):194-201. Audrezet MP et al. Validation of high-resolution DNA melting analysis for mutation scanning of the cystic fibrosis transmembrane conductance regulator (CFTR) gene. J Mol Diagn. 2008 Sep;10(5):424-34. Behar DM et al. Nationwide genetic analysis for molecularly unresolved cystic fibrosis patients in a multiethnic society: implications for preconception carrier screening. Mol Genet Genomic Med. 2017 Feb 19;5(3):223-236. Casals T et al. Heterogeneity for mutations in the CFTR gene and clinical correlations in patients with congenital absence of the vas deferens. Hum Reprod. 2000 Jul;15(7):1476-83. Casals T et al. Bronchiectasis in adult patients: an expression of heterozygosity for CFTR gene mutations? Clin Genet. 2004 Jun;65(6):490-5. de Cid R et al. Independent contribution of common CFTR variants to chronic pancreatitis. Pancreas. 2010 Mar;39(2):209-15. Larriba S et al. Adenosine triphosphate-binding cassette superfamily transporter gene expression in severe male infertility. Biol Reprod. 2001 Aug;65(2):394-400. Masson E et al. A conservative assessment of the major genetic causes of idiopathic chronic pancreatitis: data from a comprehensive analysis of PRSS1, SPINK1, CTRC and CFTR genes in 253 young French patients. PLoS One. 2013 Aug 8;8(8):e73522. Trujillano D et al. Next generation diagnostics of cystic fibrosis and CFTR-related disorders by targeted multiplex high-coverage resequencing of CFTR. J Med Genet. 2013 Jul;50(7):455-62. Raraigh KS et al. Functional Assays Are Essential for Interpretation of Missense Variants Associated with Variable Expressivity. Am J Hum Genet. 2018 Jun 7;102(6):1062-1077. Sanchez K et al. Analysis of the CFTR gene in Venezuelan cystic fibrosis patients, identification of six novel cystic fibrosis-causing genetic variants. Appl Clin Genet. 2016 Mar 8;9:33-8.

Mendelics
Classification: Uncertain significance for Cystic fibrosis. Last evaluated: 2019-05-28. Review status: criteria provided, single submitter. Criteria: Mendelics Assertion Criteria 2017. Collection method: clinical testing. Allele origin: unknown. Not counted in ClinVar's aggregate classification.

Eurofins Ntd Llc (ga)
Classification: Uncertain significance. Last evaluated: 2018-07-25. Review status: criteria provided, single submitter. Criteria: EGL ClinVar v180209 classification definitions. Collection method: clinical testing. Allele origin: germline. Observed: 3 variant alleles, 2 heterozygotes, 1 homozygote. Not counted in ClinVar's aggregate classification.

Illumina Laboratory Services, Illumina
Classification: Uncertain significance for CFTR-Related Disorders. Last evaluated: 2017-04-28. Review status: criteria provided, single submitter. Criteria: ICSL Variant Classification Criteria 13 December 2019. Collection method: clinical testing. Allele origin: germline. Not counted in ClinVar's aggregate classification.
Comment: This variant was observed as part of a predisposition screen in an ostensibly healthy population. A literature search was performed for the gene, cDNA change, and amino acid change (where applicable). Publications were found based on this search. However, the evidence from the literature, in combination with allele frequency data from public databases where available, was not sufficient to rule this variant in or out of causing disease. Therefore, this variant is classified as a variant of unknown significance.

Genome Diagnostics Laboratory, The Hospital for Sick Children
Classification: Likely pathogenic for CFTR-related disorders. Last evaluated: 2020-10-22. Review status: no assertion criteria provided. Collection method: clinical testing. Allele origin: germline. Not counted in ClinVar's aggregate classification.